The following is an entry in ClinVar:

ClinVar aggregate classification (germline): Conflicting classifications of pathogenicity. Review status: criteria provided, conflicting classifications (1 of 4 stars). 3 submissions from 3 submitters: Uncertain significance (2); Likely benign (1). Last evaluated 2023-04-19.

Conditions:
Hereditary cancer-predisposing syndrome. Also called: Hereditary neoplastic syndrome; Neoplastic Syndromes, Hereditary; Hereditary Cancer Syndrome; Tumor predisposition. Identifiers: Orphanet 140162, MedGen C0027672, MeSH D009386, MONDO:0015356.
Hereditary breast ovarian cancer syndrome. Also called: BRCA1- and BRCA2-Associated Hereditary Breast and Ovarian Cancer; Hereditary breast and ovarian cancer syndrome (HBOC); Hereditary breast and/or ovarian cancer syndrome; Hereditary breast and ovarian cancer syndrome; Hereditary breast and ovarian cancer; Breast and ovarian cancer. Identifiers: Orphanet 145, MedGen C0677776, MeSH D061325, MONDO:0003582. Disease mechanism: loss of function.

Submissions (3):

Ambry Genetics
Classification: Uncertain significance for Hereditary cancer-predisposing syndrome. Last evaluated: 2023-04-19. Review status: criteria provided, single submitter. Criteria: Ambry Variant Classification Scheme 2023. Collection method: clinical testing. Allele origin: germline.
Comment: The p.D345G variant (also known as c.1034A>G), located in coding exon 9 of the BRCA1 gene, results from an A to G substitution at nucleotide position 1034. The aspartic acid at codon 345 is replaced by glycine, an amino acid with similar properties. This amino acid position is not well conserved in available vertebrate species. In addition, the in silico prediction for this alteration is inconclusive. Since supporting evidence is limited at this time, the clinical significance of this alteration remains unclear.

University of Washington Department of Laboratory Medicine, University of Washington
Classification: Likely benign for Hereditary cancer-predisposing syndrome. Last evaluated: 2023-03-23. Review status: criteria provided, single submitter. Criteria: Dines et al. (Genet Med. 2020). Collection method: curation. Allele origin: germline.
Comment: Missense variant in a coldspot region where missense variants are very unlikely to be pathogenic (PMID:31911673).

BRCA1 coldspot (exon 11 using historical exon numbering). Reclassification based on statistical prior probability

Labcorp Genetics (formerly Invitae), Labcorp
Classification: Uncertain significance for Hereditary breast ovarian cancer syndrome. Last evaluated: 2022-09-05. Review status: criteria provided, single submitter. Criteria: Invitae Variant Classification Sherloc (09022015). Collection method: clinical testing. Allele origin: germline.
Comment: This sequence change replaces aspartic acid, which is acidic and polar, with glycine, which is neutral and non-polar, at codon 345 of the BRCA1 protein (p.Asp345Gly). This variant is not present in population databases (gnomAD no frequency). This variant has not been reported in the literature in individuals affected with BRCA1-related conditions. Advanced modeling of protein sequence and biophysical properties (such as structural, functional, and spatial information, amino acid conservation, physicochemical variation, residue mobility, and thermodynamic stability) performed at Invitae indicates that this missense variant is not expected to disrupt BRCA1 protein function. In summary, the available evidence is currently insufficient to determine the role of this variant in disease. Therefore, it has been classified as a Variant of Uncertain Significance.

NM_007294.4(BRCA1):c.1034A>G (p.Asp345Gly)

Gene: BRCA1 (BRCA1 DNA repair associated; minus strand). Cytogenetic location: 17q21.31.
Variant type: single nucleotide variant.
Coding change: c.1034A>G on transcript NM_007294.4 (MANE Select); coding-DNA position 1034, A replaced by G.
Protein change: p.Asp345Gly; replaces aspartic acid 345 with glycine.
Molecular consequence: missense variant. On other transcripts: intron variant (137).
Genome position (GRCh38, 1-based): chr17:43,094,497, T>C on the plus strand (A>G on the coding strand, the complement: BRCA1 is on the minus strand). VCF-style: chr17-43094497-T-C. GRCh37 (hg19) VCF-style: chr17-41246514-T-C.
Other names: c.821A>G, p.Asp274Gly (NM_001407571.1, NM_001407853.1, NM_001407894.1 and 9 more transcripts); c.1034A>G, p.Asp345Gly (NM_001407581.1, NM_001407582.1, NM_001407583.1 and 30 more transcripts); c.1031A>G, p.Asp344Gly (NM_001407587.1, NM_001407590.1, NM_001407591.1 and 22 more transcripts); c.1025A>G, p.Asp342Gly (NM_001407646.1, NM_001407647.1); c.911A>G, p.Asp304Gly (NM_001407648.1, NM_001407664.1, NM_001407665.1 and 19 more transcripts); c.908A>G, p.Asp303Gly (NM_001407649.1, NM_001407670.1, NM_001407671.1 and 11 more transcripts); c.956A>G, p.Asp319Gly (NM_001407653.1, NM_001407654.1, NM_001407655.1 and 4 more transcripts); c.953A>G, p.Asp318Gly (NM_001407659.1, NM_001407660.1, NM_001407661.1 and 1 more transcripts); and 40 more; short protein forms D177G, D217G, D218G, D233G, D234G, D256G, D257G, D274G.
Identifiers: ClinVar variation 1718842 (VCV001718842.10), dbSNP rs2154479412, ClinGen allele CA10599991.